The following is an entry in ClinVar:

ClinVar aggregate classification (germline): Uncertain significance (1 of 4 stars; one submission).

Submission:

CeGaT Center for Human Genetics Tuebingen
Classification: Uncertain significance. Last evaluated: 2023-05-01. Review status: criteria provided, single submitter. Criteria: CeGaT Center For Human Genetics Tuebingen Variant Classification Criteria Version 2. Collection method: clinical testing. Allele origin: germline. Affected: yes. Observed: 1 variant allele.
Comment: KIF17: PM2

NM_001122819.3(KIF17):c.349G>A (p.Ala117Thr)

Gene: KIF17 (kinesin family member 17; minus strand). Cytogenetic location: 1p36.12.
Variant type: single nucleotide variant.
Coding change: c.349G>A on transcript NM_001122819.3 (MANE Select); coding-DNA position 349, G replaced by A.
Protein change: p.Ala117Thr; replaces alanine 117 with threonine.
Molecular consequence: missense variant.
Genome position (GRCh38, 1-based): chr1:20,715,522, C>T on the plus strand (G>A on the coding strand, the complement: KIF17 is on the minus strand). VCF-style: chr1-20715522-C-T. GRCh37 (hg19) VCF-style: chr1-21042015-C-T.
Other names: c.49G>A, p.Ala17Thr (NM_001287212.2); c.349G>A, p.Ala117Thr (NM_020816.4); short protein forms A117T, A17T.
Identifiers: ClinVar variation 2638441 (VCV002638441.24), dbSNP rs2154538032, ClinGen allele CA338837227.